The following is an entry in ClinVar:

ClinVar aggregate classification (germline): Conflicting classifications of pathogenicity. Review status: criteria provided, conflicting classifications (1 of 4 stars). 2 submissions from 2 submitters: Likely pathogenic (1); Uncertain significance (1). Last evaluated 2024-07-23.

Conditions:
Telangiectasia, hereditary hemorrhagic, type 2 (HHT2). Also called: ACVRL1-Related Hereditary Hemorrhagic Telangiectasia; Telangiectasia, hereditary hemorrhagic, type II. Identifiers: Orphanet 774, MedGen C1838163, MONDO:0010880, OMIM 600376. Disease mechanism: loss of function.
Cardiovascular phenotype. Identifiers: MedGen CN230736.

Submissions (2):

Ambry Genetics
Classification: Uncertain significance for Cardiovascular phenotype. Last evaluated: 2024-07-23. Review status: criteria provided, single submitter. Criteria: Ambry Variant Classification Scheme 2023. Collection method: clinical testing. Allele origin: germline.
Comment: The p.R386P variant (also known as c.1157G>C), located in coding exon 7 of the ACVRL1 gene, results from a G to C substitution at nucleotide position 1157. The arginine at codon 386 is replaced by proline, an amino acid with dissimilar properties. This amino acid position is well conserved in available vertebrate species. In addition, the in silico prediction for this alteration is inconclusive. Based on the available evidence, the clinical significance of this variant remains unclear.

Fulgent Genetics
Classification: Likely pathogenic for Telangiectasia, hereditary hemorrhagic, type 2. Last evaluated: 2024-04-10. Review status: criteria provided, single submitter. Criteria: ACMG Guidelines, 2015. Collection method: clinical testing. Allele origin: germline.

NM_000020.3(ACVRL1):c.1157G>C (p.Arg386Pro)

Gene: ACVRL1 (activin A receptor like type 1; plus strand). Cytogenetic location: 12q13.13.
Variant type: single nucleotide variant.
Coding change: c.1157G>C on transcript NM_000020.3 (MANE Select); coding-DNA position 1157, G replaced by C.
Protein change: p.Arg386Pro; replaces arginine 386 with proline.
Molecular consequence: missense variant. On other transcripts: intron variant (1).
Genome position (GRCh38, 1-based): chr12:51,916,144, G>C. VCF-style: chr12-51916144-G-C. GRCh37 (hg19) VCF-style: chr12-52309928-G-C.
Other names: c.1157G>C, p.Arg386Pro (NM_001077401.2, NM_001406487.1, NM_001406488.1 and 1 more transcripts); c.845G>C, p.Arg282Pro (NM_001406490.1, NM_001406491.1, NM_001406492.1 and 1 more transcripts); c.593G>C, p.Arg198Pro (NM_001406495.1); c.736+644G>C (NM_001406494.1); short protein forms R198P, R282P, R386P.
Identifiers: ClinVar variation 3485690 (VCV003485690.2).